The following is an entry in ClinVar:

ClinVar aggregate classification (germline): Pathogenic (1 of 4 stars; one submission).

Conditions:
Primary ciliary dyskinesia 3. Identifiers: Orphanet 244, MedGen C1837618, MONDO:0012085, OMIM 608644.

Submission:

Myriad Genetics, Inc.
Classification: Pathogenic for Primary ciliary dyskinesia 3. Last evaluated: 2024-05-14. Review status: criteria provided, single submitter. Criteria: Myriad Autosomal Dominant, Autosomal Recessive and X-Linked Classification Criteria (2023). Collection method: clinical testing. Allele origin: unknown.
Comment: NM_001369.2(DNAH5):c.10239_10240ins13(A3414Yfs*44) is expected to be pathogenic in the context of primary ciliary dyskinesia, DNAH5-related. This variant is predicted to lead to an abnormal or absent protein product due to the creation of a premature termination codon in DNAH5, a gene where loss-of-function variants are known to be pathogenic. Please note: this variant was assessed in the context of healthy population screening.

NM_001369.3(DNAH5):c.10239_10240insTATAAGAGACAGT (p.Ala3414fs)

Gene: DNAH5 (dynein axonemal heavy chain 5; minus strand). Cytogenetic location: 5p15.2.
Variant type: Insertion.
Coding change: c.10239_10240insTATAAGAGACAGT on transcript NM_001369.3 (MANE Select); coding-DNA positions 10239 to 10240, TATAAGAGACAGT inserted.
Protein change: p.Ala3414fs; shifts the reading frame from alanine 3414.
Molecular consequence: frameshift variant.
Genome position: GRCh38 VCF-style: chr5-13762763-C-CACTGTCTCTTATA. GRCh37 (hg19) VCF-style: chr5-13762872-C-CACTGTCTCTTATA.
Other names: short protein forms A3414fs.
Identifiers: ClinVar variation 5011232 (VCV005011232.1).
Genomic context (GRCh38, chr5:13,762,763, plus strand): 5'-GTCTGCCTAGCAGGCTTACCTTCAGAGGCAGTACTTCTTTGTTTATAGAAAAGAAGGAAG[C>CACTGTCTCTTATA]CATAGCTTTCGTCCAGGAACAAAGACCAGCTACATTTCCACATACGCGTTTAGCAGTTTC-3'